The following is an entry in ClinVar:

ClinVar aggregate classification (germline): Uncertain significance. Review status: criteria provided, multiple submitters, no conflicts (2 of 4 stars). 2 submissions from 2 submitters: Uncertain significance (2). Last evaluated 2026-04-15.

Allele frequency attached by ClinVar (database versions not stated): gnomAD 0.00001; ExAC 0.00004.

Submissions (2):

GeneDx
Classification: Uncertain significance. Last evaluated: 2026-04-15. Review status: criteria provided, single submitter. Criteria: GeneDx Variant Classification Process June 2021. Collection method: clinical testing. Allele origin: germline.
Comment: In silico analysis supports that this missense variant has a deleterious effect on protein structure/function; Has not been previously published as pathogenic or benign to our knowledge

Labcorp Genetics (formerly Invitae), Labcorp
Classification: Uncertain significance. Last evaluated: 2021-12-18. Review status: criteria provided, single submitter. Criteria: Invitae Variant Classification Sherloc (09022015). Collection method: clinical testing. Allele origin: germline.
Comment: This sequence change replaces proline, which is neutral and non-polar, with threonine, which is neutral and polar, at codon 168 of the DUOX2 protein (p.Pro168Thr). The frequency data for this variant in the population databases is considered unreliable, as metrics indicate poor data quality at this position in the gnomAD database. This variant has not been reported in the literature in individuals affected with DUOX2-related conditions. Advanced modeling of protein sequence and biophysical properties (such as structural, functional, and spatial information, amino acid conservation, physicochemical variation, residue mobility, and thermodynamic stability) performed at Invitae indicates that this missense variant is expected to disrupt DUOX2 protein function. In summary, the available evidence is currently insufficient to determine the role of this variant in disease. Therefore, it has been classified as a Variant of Uncertain Significance.

NM_001363711.2(DUOX2):c.502C>A (p.Pro168Thr)

Gene: DUOX2 (dual oxidase 2; minus strand). Cytogenetic location: 15q21.1.
Variant type: single nucleotide variant.
Coding change: c.502C>A on transcript NM_001363711.2 (MANE Select); coding-DNA position 502, C replaced by A.
Protein change: p.Pro168Thr; replaces proline 168 with threonine.
Molecular consequence: missense variant.
Genome position (GRCh38, 1-based): chr15:45,111,779, G>T on the plus strand (C>A on the coding strand, the complement: DUOX2 is on the minus strand). VCF-style: chr15-45111779-G-T. GRCh37 (hg19) VCF-style: chr15-45403977-G-T.
Other names: c.502C>A, p.Pro168Thr (NM_014080.5); c.502C>A (NM_014080.4); short protein forms P168T.
Identifiers: ClinVar variation 1953477 (VCV001953477.3), dbSNP rs778603013, ClinGen allele CA7538941.